The following is an entry in ClinVar:

ClinVar aggregate classification (germline): Pathogenic. Review status: reviewed by expert panel (3 of 4 stars). 3 submissions from 3 submitters: Pathogenic (1). 2 of the submissions do not count toward it. Last evaluated 2016-10-18.

Conditions:
Hereditary cancer-predisposing syndrome. Also called: Neoplastic Syndromes, Hereditary; Hereditary neoplastic syndrome; Tumor predisposition; Hereditary Cancer Syndrome. Identifiers: Orphanet 140162, MedGen C0027672, MeSH D009386, MONDO:0015356.
Breast-ovarian cancer, familial, susceptibility to, 1 (BROVCA1). Also called: OVARIAN CANCER, SUSCEPTIBILITY TO; BRCA1 Hereditary Breast and Ovarian Cancer. Identifiers: Orphanet 145, MedGen C2676676, MONDO:0011450, OMIM 604370. Disease mechanism: loss of function.

Submissions (3):

Evidence-based Network for the Interpretation of Germline Mutant Alleles (ENIGMA)
Classification: Pathogenic for Breast-ovarian cancer, familial, susceptibility to, 1. Last evaluated: 2016-10-18. Review status: reviewed by expert panel. Criteria: ENIGMA BRCA1/2 Classification Criteria (2015). Collection method: curation. Allele origin: germline.
Comment: Variant allele predicted to encode a truncated non-functional protein.

Ambry Genetics
Classification: Pathogenic for Hereditary cancer-predisposing syndrome. Last evaluated: 2025-07-23. Review status: criteria provided, single submitter. Criteria: Ambry Variant Classification Scheme 2023. Collection method: clinical testing. Allele origin: germline. Not counted in ClinVar's aggregate classification.
Comment: The c.4127delC pathogenic mutation, located in coding exon 10 of the BRCA1 gene, results from a deletion of one nucleotide at nucleotide position 4127, causing a translational frameshift with a predicted alternate stop codon (p.T1376Kfs*17). This variant is considered to be rare based on population cohorts in the Genome Aggregation Database (gnomAD). This alteration is expected to result in loss of function by premature protein truncation or nonsense-mediated mRNA decay. As such, this alteration is interpreted as a disease-causing mutation.

Consortium of Investigators of Modifiers of BRCA1/2 (CIMBA), c/o University of Cambridge
Classification: Pathogenic for Breast-ovarian cancer, familial, susceptibility to, 1. Last evaluated: 2015-10-02. Review status: criteria provided, single submitter. Criteria: CIMBA Mutation Classification guidelines May 2016. Collection method: clinical testing. Allele origin: germline. Not counted in ClinVar's aggregate classification.

NM_007294.4(BRCA1):c.4127del (p.Thr1376fs)

Gene: BRCA1 (BRCA1 DNA repair associated; minus strand). Cytogenetic location: 17q21.31.
Variant type: Deletion.
Coding change: c.4127del on transcript NM_007294.4 (MANE Select); coding-DNA position 4127, one base deleted (C; older notation c.4127delC).
Protein change: p.Thr1376fs; shifts the reading frame from threonine 1376.
Molecular consequence: frameshift variant. On other transcripts: non-coding transcript variant (1).
Genome position (GRCh38, 1-based): chr17:43,091,002, G deleted on the plus strand (C on the coding strand, the reverse complement: BRCA1 is on the minus strand). VCF-style (leftmost placement, unchanged base first): chr17-43091001-TG-T. GRCh37 (hg19) VCF-style: chr17-41243018-TG-T.
Other names: 4246delC; c.3914delC, p.Thr1305Lysfs (NM_001407571.1, NM_001407853.1, NM_001407894.1 and 9 more transcripts); c.4127delC, p.Thr1376Lysfs (NM_001407581.1, NM_001407582.1, NM_001407583.1 and 29 more transcripts); c.4124delC, p.Thr1375Lysfs (NM_001407587.1, NM_001407590.1, NM_001407591.1 and 22 more transcripts); c.4118delC, p.Thr1373Lysfs (NM_001407646.1, NM_001407647.1); c.4004delC, p.Thr1335Lysfs (NM_001407648.1, NM_001407664.1, NM_001407665.1 and 19 more transcripts); c.4001delC, p.Thr1334Lysfs (NM_001407649.1, NM_001407670.1, NM_001407671.1 and 11 more transcripts); c.4049delC, p.Thr1350Lysfs (NM_001407653.1, NM_001407654.1, NM_001407655.1 and 4 more transcripts); and 45 more; short protein forms T273fs, T1376fs, T1329fs.
Identifiers: ClinVar variation 266449 (VCV000266449.7), dbSNP rs886040207, ClinGen allele CA10589689.